The following is an entry in ClinVar:

NM_005560.6(LAMA5):c.10954A>G (p.Met3652Val)

Gene: LAMA5 (laminin subunit alpha 5; minus strand). Cytogenetic location: 20q13.33.
Variant type: single nucleotide variant.
Coding change: c.10954A>G on transcript NM_005560.6 (MANE Select); coding-DNA position 10954, A replaced by G.
Protein change: p.Met3652Val; replaces methionine 3652 with valine.
Molecular consequence: missense variant.
Genome position (GRCh38, 1-based): chr20:62,309,470, T>C on the plus strand (A>G on the coding strand, the complement: LAMA5 is on the minus strand). VCF-style: chr20-62309470-T-C. GRCh37 (hg19) VCF-style: chr20-60884526-T-C.
Other names: p.Met3652Val; short protein forms M3652V.
Identifiers: ClinVar variation 3380671 (VCV003380671.1).

ClinVar aggregate classification (germline): Uncertain significance (1 of 4 stars; one submission).

gnomAD v4.1: 11 of 1,578,322 alleles (0.0007%); highest among the groups gnomAD compares: Admixed American, 0.0018%; no homozygotes.

Submission:

Mayo Clinic Laboratories, Mayo Clinic
Classification: Uncertain significance. Last evaluated: 2024-08-16. Review status: criteria provided, single submitter. Criteria: ACMG Guidelines, 2015. Collection method: clinical testing. Allele origin: germline. Observed: 1 variant allele.
Comment: BP4, PM2